The following is an entry in ClinVar:

ClinVar aggregate classification (germline): Uncertain significance (1 of 4 stars; one submission).

gnomAD v4.1: 1 of 1,613,992 alleles (0.000062%); highest among the groups gnomAD compares: African/African-American, 0.0013%; no homozygotes.

Submission:

Women's Health and Genetics/Laboratory Corporation of America, LabCorp
Classification: Uncertain significance. Last evaluated: 2025-09-17. Review status: criteria provided, single submitter. Criteria: LabCorp Variant Classification Summary - May 2015. Collection method: clinical testing. Allele origin: germline.
Comment: Variant summary: PAFAH1B1 c.1098T>G (p.Asp366Glu) results in a conservative amino acid change in the encoded protein sequence. Algorithms developed to predict the effect of missense changes on protein structure and function are either unavailable or do not agree on the potential impact of this missense change. The variant was absent in 251488 control chromosomes. The available data on variant occurrences in the general population are insufficient to allow any conclusion about variant significance. To our knowledge, no occurrence of c.1098T>G in individuals affected with PAFAH1B1-related conditions and no experimental evidence demonstrating its impact on protein function have been reported. No submitters have cited clinical-significance assessments for this variant to ClinVar. Based on the evidence outlined above, the variant was classified as uncertain significance.

NM_000430.4(PAFAH1B1):c.1098T>G (p.Asp366Glu)

Gene: PAFAH1B1 (platelet activating factor acetylhydrolase 1b regulatory subunit 1; plus strand). Cytogenetic location: 17p13.3.
Variant type: single nucleotide variant.
Coding change: c.1098T>G on transcript NM_000430.4 (MANE Select); coding-DNA position 1098, T replaced by G.
Protein change: p.Asp366Glu; replaces aspartic acid 366 with glutamic acid.
Molecular consequence: missense variant.
Genome position (GRCh38, 1-based): chr17:2,680,259, T>G. VCF-style: chr17-2680259-T-G. GRCh37 (hg19) VCF-style: chr17-2583553-T-G.
Other names: short protein forms D366E.
Identifiers: ClinVar variation 4536145 (VCV004536145.1).